The following is an entry in ClinVar:

ClinVar aggregate classification (germline): Conflicting classifications of pathogenicity. Review status: criteria provided, conflicting classifications (1 of 4 stars). 6 submissions from 6 submitters: Uncertain significance (1); Likely benign (5). Last evaluated 2026-08-12.

Conditions:
DTNA-related disorder. Also called: DTNA-related condition.
Left ventricular noncompaction 1 (LVNC1). Also called: LEFT VENTRICULAR NONCOMPACTION 1 WITH OR WITHOUT CONGENITAL HEART DEFECTS. Identifiers: Orphanet 54260, MedGen C1858725, MONDO:0011403, OMIM 604169.

Allele frequency attached by ClinVar (database versions not stated): gnomAD exomes 0.00005 and 0.00013; ExAC 0.00015; 1000 Genomes Project 30x 0.00031; 1000 Genomes Project 0.00040; gnomAD 0.00046 and 0.00047; ESP Exome Variant Server 0.00054; TOPMed 0.00060.
gnomAD v4.1: 138 of 1,614,070 alleles (0.0085%); highest among the groups gnomAD compares: African/African-American, 0.16%; no homozygotes.

Submissions (6):

PreventionGenetics, part of Exact Sciences
Classification: Likely benign for DTNA-related condition. Last evaluated: 2026-08-12. Review status: criteria provided, single submitter. Criteria: ACMG Guidelines, 2015. Collection method: clinical testing. Allele origin: germline.
Comment: This variant is classified as likely benign based on ACMG/AMP sequence variant interpretation guidelines (Richards et al. 2015 PMID: 25741868, with internal and published modifications).

Labcorp Genetics (formerly Invitae), Labcorp
Classification: Likely benign for Left ventricular noncompaction 1. Last evaluated: 2025-12-01. Review status: criteria provided, single submitter. Criteria: Invitae Variant Classification Sherloc (09022015). Collection method: clinical testing. Allele origin: germline.

GeneDx
Classification: Likely benign. Last evaluated: 2021-02-22. Review status: criteria provided, single submitter. Criteria: GeneDx Variant Classification Process June 2021. Collection method: clinical testing. Allele origin: germline. Affected: yes.
Comment: This variant is associated with the following publications: (PMID: 23861362)

Women's Health and Genetics/Laboratory Corporation of America, LabCorp
Classification: Likely benign. Last evaluated: 2019-11-18. Review status: criteria provided, single submitter. Criteria: LabCorp Variant Classification Summary - May 2015. Collection method: clinical testing. Allele origin: germline.
Comment: Variant summary: DTNA c.955A>G (p.Met319Val) results in a conservative amino acid change in the encoded protein sequence. Three of four in-silico tools predict a benign effect of the variant on protein function. The variant allele was found at a frequency of 0.00013 in 251432 control chromosomes, predominantly at a frequency of 0.0018 within the African or African-American subpopulation in the gnomAD database. The observed variant frequency within African or African-American control individuals in the gnomAD database is approximately 72 fold of the estimated maximal expected allele frequency for a pathogenic variant in DTNA causing Cardiomyopathy phenotype (2.5e-05), strongly suggesting that the variant is a benign polymorphism found primarily in populations of African or African-American origin. To our knowledge, no occurrence of c.955A>G in individuals affected with Cardiomyopathy and no experimental evidence demonstrating its impact on protein function have been reported. Three ClinVar submitters (evaluation after 2014) cite the variant as likely benign. Based on the evidence outlined above, the variant was classified as likely benign.

Laboratory for Molecular Medicine, Mass General Brigham Personalized Medicine
Classification: Likely benign. Last evaluated: 2018-10-24. Review status: criteria provided, single submitter. Criteria: LMM Criteria. Collection method: clinical testing. Allele origin: germline. Observed: 1 variant allele.
Comment: The p.Met319Val variant in DTNA is classified as likely benign because it has be en identified in 0.15% (38/24960) of African chromosomes by gnomAD. ACMG/AMP Criteria applied: BS1

Biesecker Lab/Clinical Genomics Section, National Institutes of Health
Classification: Uncertain significance. Last evaluated: 2013-06-24. Review status: criteria provided, single submitter. Criteria: Ng et al. (Circ Cardiovasc Genet. 2013). Collection method: research. Allele origin: unknown. Observed: 1 variant allele. Study: ClinSeq.
Comment: The study set was not selected for affection status in relation to any cancer. Pathogenicity categories were based on literature curation. See Pubmed ID:23861362 for details.

Medical sequencing

NM_001386795.1(DTNA):c.955A>G (p.Met319Val)

Gene: DTNA (dystrobrevin alpha; plus strand). Cytogenetic location: 18q12.1.
Variant type: single nucleotide variant.
Coding change: c.955A>G on transcript NM_001386795.1 (MANE Select); coding-DNA position 955, A replaced by G.
Protein change: p.Met319Val; replaces methionine 319 with valine.
Molecular consequence: missense variant. On other transcripts: initiator codon variant (4), intron variant (1).
Genome position (GRCh38, 1-based): chr18:34,820,869, A>G. VCF-style: chr18-34820869-A-G. GRCh37 (hg19) VCF-style: chr18-32400833-A-G.
Other names: NM_032975.3:c.955A>G; p.Met319Val; c.955A>G, p.Met319Val (NM_001128175.2, NM_001198938.2, NM_001198939.2 and 34 more transcripts); c.1A>G, p.Met1Val (NM_001198942.1, NM_001198944.1, NM_032980.4 and 1 more transcripts); c.205A>G, p.Met69Val (NM_001198943.1); c.603+8756A>G (NM_001198945.2); short protein forms M319V, M69V, M1V.
Identifiers: ClinVar variation 191651 (VCV000191651.23), dbSNP rs141981161, ClinGen allele CA237157.